The following is an entry in ClinVar:

ClinVar aggregate classification (germline): Likely pathogenic (1 of 4 stars; one submission).

Allele frequency attached by ClinVar (database versions not stated): gnomAD exomes below 0.00001; ExAC 0.00001.
gnomAD v4.1: 1 of 1,607,648 alleles (0.000062%); highest among the groups gnomAD compares: Non-Finnish European, 0.000085%; no homozygotes.

Submission:

Labcorp Genetics (formerly Invitae), Labcorp
Classification: Likely pathogenic. Last evaluated: 2023-05-13. Review status: criteria provided, single submitter. Criteria: Invitae Variant Classification Sherloc (09022015). Collection method: clinical testing. Allele origin: germline.
Comment: In summary, the currently available evidence indicates that the variant is pathogenic, but additional data are needed to prove that conclusively. Therefore, this variant has been classified as Likely Pathogenic. Algorithms developed to predict the effect of sequence changes on RNA splicing suggest that this variant may disrupt the consensus splice site. This variant has not been reported in the literature in individuals affected with C3-related conditions. This variant is present in population databases (rs780405372, gnomAD 0.0009%). This sequence change affects a donor splice site in intron 23 of the C3 gene. It is expected to disrupt RNA splicing. Variants that disrupt the donor or acceptor splice site typically lead to a loss of protein function (PMID: 16199547), and loss-of-function variants in C3 are known to be pathogenic (PMID: 12462331, 14639503, 21501302).

Literature cited by the submitters: PubMed 16199547; PubMed 12462331; PubMed 14639503; PubMed 21501302.

NM_000064.4(C3):c.2950+1G>A

Gene: C3 (complement C3; minus strand). Cytogenetic location: 19p13.3.
Variant type: single nucleotide variant.
Coding change: c.2950+1G>A on transcript NM_000064.4 (MANE Select); the canonical splice donor site of the intron after coding-DNA position 2950, G replaced by A.
Molecular consequence: splice donor variant.
Genome position (GRCh38, 1-based): chr19:6,696,378, C>T on the plus strand (G>A on the coding strand, the complement: C3 is on the minus strand). VCF-style: chr19-6696378-C-T. GRCh37 (hg19) VCF-style: chr19-6696389-C-T.
Identifiers: ClinVar variation 2864121 (VCV002864121.3), dbSNP rs780405372, ClinGen allele CA9128908.